The following is an entry in ClinVar:

NM_000548.5(TSC2):c.2703C>A (p.Arg901=)

Gene: TSC2 (TSC complex subunit 2; plus strand). Cytogenetic location: 16p13.3.
Variant type: single nucleotide variant.
Coding change: c.2703C>A on transcript NM_000548.5 (MANE Select); coding-DNA position 2703, C replaced by A.
Protein change: p.Arg901=; no amino-acid change (arginine 901 retained).
Molecular consequence: synonymous variant. On other transcripts: non-coding transcript variant (5).
Genome position (GRCh38, 1-based): chr16:2,076,131, C>A. VCF-style: chr16-2076131-C-A. GRCh37 (hg19) VCF-style: chr16-2126132-C-A.
Other names: c.2703C>A, p.Arg901= (NM_001077183.3, NM_001114382.3, NM_001363528.2 and 6 more transcripts); c.2592C>A, p.Arg864= (NM_001318827.2, NM_001406670.1, NM_001406678.1); c.2556C>A, p.Arg852= (NM_001318829.2, NM_001406675.1, NM_001406676.1 and 1 more transcripts); c.2103C>A, p.Arg701= (NM_001318831.2, NM_001406680.1, NM_001406682.1 and 6 more transcripts); c.2736C>A, p.Arg912= (NM_001318832.2); c.2793C>A, p.Arg931= (NM_001406667.1, NM_001406668.1); c.2691C>A, p.Arg897= (NM_001406671.1, NM_001406673.1); c.2646C>A, p.Arg882= (NM_001406677.1); and 3 more.
Identifiers: ClinVar variation 3071975 (VCV003071975.1), dbSNP rs2151388104, ClinGen allele CA492953665.

ClinVar aggregate classification (germline): Likely benign (1 of 4 stars; one submission).

Conditions:
Tuberous sclerosis syndrome (TSC). Also called: Tuberous Sclerosis Complex; Tuberous sclerosis. Identifiers: Orphanet 805, MedGen C0041341, MONDO:0001734.

Submission:

All of Us Research Program, National Institutes of Health
Classification: Likely benign for Tuberous sclerosis syndrome. Last evaluated: 2023-06-26. Review status: criteria provided, single submitter. Criteria: ACMG Guidelines, 2015. Collection method: clinical testing. Allele origin: germline. Inheritance: Autosomal dominant inheritance. Observed: 1 variant allele, 1 heterozygote.
Comment: This study involves interpretation of variants in research participants for the purpose of population health screening. Participant phenotype was not available at the time of variant classification. Additional details can be found in publication PMID: 35346344, PMCID: PMC8962531